The following is an entry in ClinVar:

ClinVar aggregate classification (germline): Likely benign (1 of 4 stars; one submission).

Conditions:
Primary hypomagnesemia (HOMG3). Also called: HYPOMAGNESEMIA 3, RENAL; HYPOMAGNESEMIA, FAMILIAL, WITH HYPERCALCIURIA AND NEPHROCALCINOSIS; HYPOMAGNESEMIA, ISOLATED RENAL; HYPOMAGNESEMIA, PRIMARY, DUE TO DEFECT IN RENAL TUBULAR TRANSPORT OF MAGNESIUM. Identifiers: Orphanet 31043, MedGen C0268448, MONDO:0009550, OMIM 248250.

Allele frequency attached by ClinVar (database versions not stated): gnomAD 0.00027 and 0.00040; TOPMed 0.00047; 1000 Genomes Project 30x 0.00297; 1000 Genomes Project 0.00319.
gnomAD v4.1: 59 of 152,230 alleles (0.039%); highest among the groups gnomAD compares: East Asian, 1.1%; no homozygotes.

Submission:

Illumina Laboratory Services, Illumina
Classification: Likely benign for Primary hypomagnesemia. Last evaluated: 2018-01-12. Review status: criteria provided, single submitter. Criteria: ICSL Variant Classification Criteria 13 December 2019. Collection method: clinical testing. Allele origin: germline.
Comment: This variant was observed in the ICSL laboratory as part of a predisposition screen in an ostensibly healthy population. It had not been previously curated by ICSL or reported in the Human Gene Mutation Database (HGMD: prior to June 1st, 2018), and was therefore a candidate for classification through an automated scoring system. Utilizing variant allele frequency, disease prevalence and penetrance estimates, and inheritance mode, an automated score was calculated to assess if this variant is too frequent to cause the disease. Based on the score and internal cut-off values, a variant classified as likely benign is not then subjected to further curation. The score for this variant resulted in a classification of likely benign for this disease.

NM_006580.4(CLDN16):c.*1812A>G

Gene: CLDN16 (claudin 16; plus strand). Cytogenetic location: 3q28.
Variant type: single nucleotide variant.
Coding change: c.*1812A>G on transcript NM_006580.4 (MANE Select); 1812 bases downstream of the stop codon, A replaced by G.
Molecular consequence: 3 prime UTR variant.
Genome position (GRCh38, 1-based): chr3:190,411,848, A>G. VCF-style: chr3-190411848-A-G. GRCh37 (hg19) VCF-style: chr3-190129637-A-G.
Other names: c.*1812A>G (NM_001378492.1, NM_001378493.1).
Identifiers: ClinVar variation 902387 (VCV000902387.4), dbSNP rs138543261, ClinGen allele CA89769024.